The following is an entry in ClinVar:

ClinVar aggregate classification (germline): Conflicting classifications of pathogenicity. Review status: criteria provided, conflicting classifications (1 of 4 stars). 3 submissions from 3 submitters: Uncertain significance (2); Likely benign (1). Last evaluated 2025-03-27.

Conditions:
Cardiovascular phenotype. Identifiers: MedGen CN230736.
Long QT syndrome (LQTS). Identifiers: MedGen C0023976, MeSH D008133, MONDO:0002442. Disease mechanism: loss of function. Inheritance: Various modes of inheritance.

Allele frequency attached by ClinVar (database versions not stated): gnomAD exomes below 0.00001; gnomAD 0.00001; TOPMed 0.00001.
gnomAD v4.1: 4 of 1,609,910 alleles (0.00025%); highest among the groups gnomAD compares: Non-Finnish European, 0.00034%; no homozygotes.

Submissions (3):

Labcorp Genetics (formerly Invitae), Labcorp
Classification: Uncertain significance for Long QT syndrome. Last evaluated: 2025-03-27. Review status: criteria provided, single submitter. Criteria: Invitae Variant Classification Sherloc (09022015). Collection method: clinical testing. Allele origin: germline.
Comment: This sequence change replaces aspartic acid, which is acidic and polar, with alanine, which is neutral and non-polar, at codon 2113 of the CACNA1C protein (p.Asp2113Ala). This variant is not present in population databases (gnomAD no frequency). This variant has not been reported in the literature in individuals affected with CACNA1C-related conditions. ClinVar contains an entry for this variant (Variation ID: 501385). Invitae Evidence Modeling of protein sequence and biophysical properties (such as structural, functional, and spatial information, amino acid conservation, physicochemical variation, residue mobility, and thermodynamic stability) indicates that this missense variant is not expected to disrupt CACNA1C protein function with a negative predictive value of 95%. In summary, the available evidence is currently insufficient to determine the role of this variant in disease. Therefore, it has been classified as a Variant of Uncertain Significance.

Ambry Genetics
Classification: Likely benign for Cardiovascular phenotype. Last evaluated: 2024-10-24. Review status: criteria provided, single submitter. Criteria: Ambry Variant Classification Scheme 2023. Collection method: clinical testing. Allele origin: germline.

Eurofins Ntd Llc (ga)
Classification: Uncertain significance. Last evaluated: 2017-04-24. Review status: criteria provided, single submitter. Criteria: EGL Classification Definitions 2015. Collection method: clinical testing. Allele origin: germline. Observed: 1 variant allele, 1 heterozygote.

NM_000719.7(CACNA1C):c.6338A>C (p.Asp2113Ala)

Genes: CACNA1C (calcium voltage-gated channel subunit alpha1 C; plus strand), CACNA1C-AS1 (CACNA1C antisense RNA 1; minus strand). Cytogenetic location: 12p13.33.
Variant type: single nucleotide variant.
Coding change: c.6338A>C on transcript NM_000719.7 (MANE Select); coding-DNA position 6338, A replaced by C.
Protein change: p.Asp2113Ala; replaces aspartic acid 2113 with alanine.
Molecular consequence: missense variant. On other transcripts: non-coding transcript variant (1).
Genome position (GRCh38, 1-based): chr12:2,691,120, A>C. VCF-style: chr12-2691120-A-C. GRCh37 (hg19) VCF-style: chr12-2800286-A-C.
Other names: c.6482A>C, p.Asp2161Ala (NM_001129827.2); c.6461A>C, p.Asp2154Ala (NM_001129829.2); c.6443A>C, p.Asp2148Ala (NM_001129830.3, NM_001167624.3); c.6422A>C, p.Asp2141Ala (NM_001129831.2); c.6398A>C, p.Asp2133Ala (NM_001129832.2); c.6395A>C, p.Asp2132Ala (NM_001129833.2, NM_001129834.2, NM_001129835.2); c.6389A>C, p.Asp2130Ala (NM_001129836.2); c.6362A>C, p.Asp2121Ala (NM_001129837.2, NM_001129838.2); and 6 more; short protein forms D2113A, D2148A, D2161A, D2110A, D2132A, D2133A, D2154A, D2130A.
Identifiers: ClinVar variation 501385 (VCV000501385.16), dbSNP rs972053240, ClinGen allele CA231619906.